The following is an entry in ClinVar:

NM_004260.4(RECQL4):c.1232A>C (p.His411Pro)

Gene: RECQL4 (RecQ like helicase 4; minus strand). Cytogenetic location: 8q24.3.
Variant type: single nucleotide variant.
Coding change: c.1232A>C on transcript NM_004260.4 (MANE Select); coding-DNA position 1232, A replaced by C.
Protein change: p.His411Pro; replaces histidine 411 with proline.
Molecular consequence: missense variant.
Genome position (GRCh38, 1-based): chr8:144,515,790, T>G on the plus strand (A>C on the coding strand, the complement: RECQL4 is on the minus strand). VCF-style: chr8-144515790-T-G. GRCh37 (hg19) VCF-style: chr8-145741174-T-G.
Other names: c.1232A>C (NM_004260.3); short protein forms H411P.
Identifiers: ClinVar variation 1445671 (VCV001445671.7), dbSNP rs1464725893, ClinGen allele CA372687340.
Genomic context (GRCh38, chr8:144,515,790, plus strand): 5'-TGGCCGGACCCACCCTCCAGGGCAGATGTCTCACCTGGCCGGGGACACTGGGCTGCCCAG[T>G]GATCGAACTGCTCGTTCAGGAAACAAGACTCCTTGGTTGTGACTGTGGCACCACCACCCC-3'
Protein context (NP_004251.4, residues 401-421): ESCFLNEQFD[His411Pro]WAAQCPRPAS

ClinVar aggregate classification (germline): Uncertain significance. Review status: criteria provided, multiple submitters, no conflicts (2 of 4 stars). 2 submissions from 2 submitters: Uncertain significance (2). Last evaluated 2026-08-11.

Conditions:
Inborn genetic diseases. Identifiers: MedGen C0950123, MeSH D030342.
Baller-Gerold syndrome (BGS). Also called: CRANIOSYNOSTOSIS WITH RADIAL DEFECTS. Identifiers: Orphanet 1225, MedGen C0265308, MONDO:0009039, OMIM 218600.

Allele frequency attached by ClinVar (database versions not stated): gnomAD exomes below 0.00001.

Submissions (2):

Ambry Genetics
Classification: Uncertain significance for Inborn genetic diseases. Last evaluated: 2026-08-11. Review status: criteria provided, single submitter. Criteria: Ambry Variant Classification Scheme 2023. Collection method: clinical testing. Allele origin: germline.
Comment: The p.H411P variant (also known as c.1232A>C), located in coding exon 6 of the RECQL4 gene, results from an A to C substitution at nucleotide position 1232. The histidine at codon 411 is replaced by proline, an amino acid with similar properties. This amino acid position is conserved. In addition, the in silico prediction for this alteration is inconclusive. Based on the available evidence, the clinical significance of this variant remains unclear.

Labcorp Genetics (formerly Invitae), Labcorp
Classification: Uncertain significance for Baller-Gerold syndrome. Last evaluated: 2021-04-21. Review status: criteria provided, single submitter. Criteria: Invitae Variant Classification Sherloc (09022015). Collection method: clinical testing. Allele origin: germline.
Comment: In summary, the available evidence is currently insufficient to determine the role of this variant in disease. Therefore, it has been classified as a Variant of Uncertain Significance. Experimental studies and prediction algorithms are not available or were not evaluated, and the functional significance of this variant is currently unknown. This variant has not been reported in the literature in individuals with RECQL4-related conditions. This variant is not present in population databases (ExAC no frequency). This sequence change replaces histidine with proline at codon 411 of the RECQL4 protein (p.His411Pro). The histidine residue is highly conserved and there is a moderate physicochemical difference between histidine and proline.